The following is an entry in ClinVar:

ClinVar aggregate classification (germline): Uncertain significance (1 of 4 stars; one submission).

Submission:

Labcorp Genetics (formerly Invitae), Labcorp
Classification: Uncertain significance. Last evaluated: 2025-08-26. Review status: criteria provided, single submitter. Criteria: Invitae Variant Classification Sherloc (09022015). Collection method: clinical testing. Allele origin: germline.
Comment: This sequence change replaces proline, which is neutral and non-polar, with histidine, which is basic and polar, at codon 1383 of the SRCAP protein (p.Pro1383His). The frequency data for this variant in the population databases is considered unreliable, as metrics indicate poor data quality at this position in the gnomAD database. This variant has not been reported in the literature in individuals affected with SRCAP-related conditions. Invitae Evidence Modeling of protein sequence and biophysical properties (such as structural, functional, and spatial information, amino acid conservation, physicochemical variation, residue mobility, and thermodynamic stability) indicates that this missense variant is not expected to disrupt SRCAP protein function with a negative predictive value of 80%. In summary, the available evidence is currently insufficient to determine the role of this variant in disease. Therefore, it has been classified as a Variant of Uncertain Significance.

NM_006662.3(SRCAP):c.4148C>A (p.Pro1383His)

Gene: SRCAP (Snf2 related CREBBP activator protein; plus strand). Cytogenetic location: 16p11.2.
Variant type: single nucleotide variant.
Coding change: c.4148C>A on transcript NM_006662.3 (MANE Select); coding-DNA position 4148, C replaced by A.
Protein change: p.Pro1383His; replaces proline 1383 with histidine.
Molecular consequence: missense variant.
Genome position (GRCh38, 1-based): chr16:30,723,218, C>A. VCF-style: chr16-30723218-C-A. GRCh37 (hg19) VCF-style: chr16-30734539-C-A.
Other names: short protein forms P1383H.
Identifiers: ClinVar variation 4770064 (VCV004770064.1).